The following is an entry in ClinVar:

NM_004817.4(TJP2):c.1747A>G (p.Met583Val)

Gene: TJP2 (tight junction protein 2; plus strand). Cytogenetic location: 9q21.11.
Variant type: single nucleotide variant.
Coding change: c.1747A>G on transcript NM_004817.4 (MANE Select); coding-DNA position 1747, A replaced by G.
Protein change: p.Met583Val; replaces methionine 583 with valine.
Molecular consequence: missense variant.
Genome position (GRCh38, 1-based): chr9:69,234,514, A>G. VCF-style: chr9-69234514-A-G. GRCh37 (hg19) VCF-style: chr9-71849430-A-G.
Other names: c.1678A>G, p.Met560Val (NM_001170414.2, NM_001369871.1); c.1759A>G, p.Met587Val (NM_001170415.1, NM_001369874.1, NM_001369875.1); c.1840A>G, p.Met614Val (NM_001170416.2); c.1672A>G, p.Met558Val (NM_001369870.1); c.1747A>G, p.Met583Val (NM_001369872.1, NM_001369873.1, NM_201629.3); short protein forms M558V, M560V, M583V, M587V, M614V.
Identifiers: ClinVar variation 3602402 (VCV003602402.1).

ClinVar aggregate classification (germline): Uncertain significance (1 of 4 stars; one submission).

gnomAD v4.1: 7 of 1,349,864 alleles (0.00052%); highest among the groups gnomAD compares: African/African-American, 0.005%; no homozygotes.

Submission:

GeneDx
Classification: Uncertain significance. Last evaluated: 2024-08-01. Review status: criteria provided, single submitter. Criteria: GeneDx Variant Classification Process June 2021. Collection method: clinical testing. Allele origin: germline. Affected: yes.
Comment: Not observed at significant frequency in large population cohorts (gnomAD); In silico analysis indicates that this missense variant does not alter protein structure/function; Has not been previously published as pathogenic or benign to our knowledge